The following is an entry in ClinVar:

ClinVar aggregate classification (germline): Benign/Likely benign. Review status: criteria provided, multiple submitters, no conflicts (2 of 4 stars). 8 submissions from 8 submitters: Benign (6); Likely benign (2). Last evaluated 2026-02-04.

Conditions:
Poikiloderma with neutropenia (PN). Identifiers: Orphanet 221046, MedGen C1858723, MONDO:0011405, OMIM 604173.

Allele frequency attached by ClinVar (database versions not stated): gnomAD exomes 0.06903 and 0.07702; ExAC 0.06977; gnomAD 0.05657 and 0.05789; 1000 Genomes Project 30x 0.05684; TOPMed 0.05745; ESP Exome Variant Server 0.05979; 1000 Genomes Project 0.06010.
gnomAD v4.1: 121,260 of 1,614,084 alleles (7.5%); highest among the groups gnomAD compares: South Asian, 8.3%; 5,166 homozygotes.

Submissions (8):

Labcorp Genetics (formerly Invitae), Labcorp
Classification: Benign. Last evaluated: 2026-02-04. Review status: criteria provided, single submitter. Criteria: Invitae Variant Classification Sherloc (09022015). Collection method: clinical testing. Allele origin: germline.

Women's Health and Genetics/Laboratory Corporation of America, LabCorp
Classification: Likely benign. Last evaluated: 2026-01-21. Review status: criteria provided, single submitter. Criteria: LabCorp Variant Classification Summary - May 2015. Collection method: clinical testing. Allele origin: germline.

ARUP Laboratories, Molecular Genetics and Genomics, ARUP Laboratories
Classification: Benign for Poikiloderma with neutropenia. Last evaluated: 2025-07-28. Review status: criteria provided, single submitter. Criteria: ARUP Molecular Germline Variant Investigation Process 2024. Collection method: clinical testing. Allele origin: germline.

Blueprint Genetics
Classification: Likely benign. Last evaluated: 2024-11-27. Review status: criteria provided, single submitter. Criteria: ACMG Guidelines, 2015. Collection method: clinical testing. Allele origin: germline.

GeneDx
Classification: Benign. Last evaluated: 2018-11-27. Review status: criteria provided, single submitter. Criteria: GeneDx Variant Classification Process June 2021. Collection method: clinical testing. Allele origin: germline. Affected: yes.

Mayo Clinic Laboratories, Mayo Clinic
Classification: Benign. Last evaluated: 2018-07-06. Review status: criteria provided, single submitter. Criteria: ACMG Guidelines, 2015. Collection method: clinical testing. Allele origin: germline. Observed: 291 variant alleles.

Laboratory for Molecular Medicine, Mass General Brigham Personalized Medicine
Classification: Benign. Last evaluated: 2016-03-29. Review status: criteria provided, single submitter. Criteria: LMM Criteria. Collection method: clinical testing. Allele origin: germline.
Comment: Variant identified in a genome or exome case(s) and assessed due to predicted null impact of the variant or pathogenic assertions in the literature or databases. Disclaimer: This variant has not undergone full assessment. The following are preliminary notes: Frequency

Breakthrough Genomics
Classification: Benign. Review status: criteria provided, single submitter. Criteria: ACMG Guidelines, 2015. Collection method: not provided. Allele origin: germline. Inheritance: Autosomal recessive inheritance. Affected: yes.

NM_024598.4(USB1):c.748C>G (p.Gln250Glu)

Gene: USB1 (U6 snRNA biogenesis phosphodiesterase 1; plus strand). Cytogenetic location: 16q21.
Variant type: single nucleotide variant.
Coding change: c.748C>G on transcript NM_024598.4 (MANE Select); coding-DNA position 748, C replaced by G.
Protein change: p.Gln250Glu; replaces glutamine 250 with glutamic acid.
Molecular consequence: missense variant.
Genome position (GRCh38, 1-based): chr16:58,020,195, C>G. VCF-style: chr16-58020195-C-G. GRCh37 (hg19) VCF-style: chr16-58054099-C-G.
Other names: c.694C>G, p.Gln232Glu (NM_001195302.2); c.595C>G, p.Gln199Glu (NM_001330568.2); short protein forms Q250E, Q232E, Q199E.
Identifiers: ClinVar variation 403597 (VCV000403597.21), dbSNP rs16959641, ClinGen allele CA8085048.